The following is an entry in ClinVar:

NM_001005361.3(DNM2):c.1633C>G (p.Leu545Val)

Gene: DNM2 (dynamin 2; plus strand). Cytogenetic location: 19p13.2.
Variant type: single nucleotide variant.
Coding change: c.1633C>G on transcript NM_001005361.3 (MANE Select); coding-DNA position 1633, C replaced by G.
Protein change: p.Leu545Val; replaces leucine 545 with valine.
Molecular consequence: missense variant.
Genome position (GRCh38, 1-based): chr19:10,812,339, C>G. VCF-style: chr19-10812339-C-G. GRCh37 (hg19) VCF-style: chr19-10923015-C-G.
Other names: c.1633C>G, p.Leu545Val (NM_001005360.3, NM_001190716.2); c.1621C>G, p.Leu541Val (NM_001005362.3, NM_004945.4); short protein forms L545V, L541V.
Identifiers: ClinVar variation 4709766 (VCV004709766.1).
Genomic context (GRCh38, chr19:10,812,339, plus strand): 5'-TGGCTGACCATCAACAACATCAGCCTGATGAAAGGCGGCTCCAAGGAGTACTGGTTTGTG[C>G]TGACTGCCGAGTCACTGTCCTGGTACAAGGATGAGGAGGTGAGTGGCAGGCGGGAGCAGG-3'
Protein context (NP_001005361.1, residues 535-555): KGGSKEYWFV[Leu545Val]TAESLSWYKD

ClinVar aggregate classification (germline): Uncertain significance (1 of 4 stars; one submission).

Conditions:
Charcot-Marie-Tooth disease dominant intermediate B (CMTDIB). Also called: Charcot-Marie-Tooth disease dominant intermediate 1; CMT DI1; Charcot-Marie-Tooth disease dominant intermediate I; CHARCOT-MARIE-TOOTH NEUROPATHY, DOMINANT INTERMEDIATE B. Identifiers: Orphanet 100044, Orphanet 228179, MedGen C1847902, MONDO:0011674, OMIM 606482.

Submission:

Labcorp Genetics (formerly Invitae), Labcorp
Classification: Uncertain significance for Charcot-Marie-Tooth disease dominant intermediate B. Last evaluated: 2025-12-24. Review status: criteria provided, single submitter. Criteria: Invitae Variant Classification Sherloc (09022015). Collection method: clinical testing. Allele origin: germline.
Comment: This sequence change replaces leucine, which is neutral and non-polar, with valine, which is neutral and non-polar, at codon 545 of the DNM2 protein (p.Leu545Val). This variant is not present in population databases (gnomAD no frequency). This variant has not been reported in the literature in individuals affected with DNM2-related conditions. Invitae Evidence Modeling of protein sequence and biophysical properties (such as structural, functional, and spatial information, amino acid conservation, physicochemical variation, residue mobility, and thermodynamic stability) indicates that this missense variant is expected to disrupt DNM2 protein function with a positive predictive value of 95%. In summary, the available evidence is currently insufficient to determine the role of this variant in disease. Therefore, it has been classified as a Variant of Uncertain Significance.